The following is an entry in ClinVar:

NM_000051.4(ATM):c.4957C>G (p.Gln1653Glu)

Gene: ATM (ATM serine/threonine kinase; plus strand). Cytogenetic location: 11q22.3.
Variant type: single nucleotide variant.
Coding change: c.4957C>G on transcript NM_000051.4 (MANE Select); coding-DNA position 4957, C replaced by G.
Protein change: p.Gln1653Glu; replaces glutamine 1653 with glutamic acid.
Molecular consequence: missense variant.
Genome position (GRCh38, 1-based): chr11:108,297,334, C>G. VCF-style: chr11-108297334-C-G. GRCh37 (hg19) VCF-style: chr11-108168061-C-G.
Other names: c.4957C>G, p.Gln1653Glu (NM_001351834.2); short protein forms Q1653E.
Identifiers: ClinVar variation 941084 (VCV000941084.1), dbSNP rs1565469955, ClinGen allele CA382538298.

ClinVar aggregate classification (germline): Uncertain significance (1 of 4 stars; one submission).

Conditions:
Ataxia-telangiectasia syndrome (AT). Also called: Cerebello-oculocutaneous telangiectasia; Immunodeficiency with ataxia telangiectasia; LOUIS-BAR SYNDROME; AT, COMPLEMENTATION GROUP C; ATAXIA-TELANGIECTASIA, COMPLEMENTATION GROUP A; ATAXIA-TELANGIECTASIA, FRESNO VARIANT. Identifiers: Orphanet 100, MedGen C0004135, MONDO:0008840, OMIM 208900.

Submission:

Labcorp Genetics (formerly Invitae), Labcorp
Classification: Uncertain significance for Ataxia-telangiectasia syndrome. Last evaluated: 2019-09-25. Review status: criteria provided, single submitter. Criteria: Invitae Variant Classification Sherloc (09022015). Collection method: clinical testing. Allele origin: germline.
Comment: This sequence change replaces glutamine with glutamic acid at codon 1653 of the ATM protein (p.Gln1653Glu). The glutamine residue is moderately conserved and there is a small physicochemical difference between glutamine and glutamic acid. This variant is not present in population databases (ExAC no frequency). This variant has not been reported in the literature in individuals with ATM-related conditions. Algorithms developed to predict the effect of missense changes on protein structure and function (SIFT, PolyPhen-2, Align-GVGD) all suggest that this variant is likely to be tolerated, but these predictions have not been confirmed by published functional studies and their clinical significance is uncertain. In summary, the available evidence is currently insufficient to determine the role of this variant in disease. Therefore, it has been classified as a Variant of Uncertain Significance.